The following is an entry in ClinVar:

ClinVar aggregate classification (germline): Conflicting classifications of pathogenicity. Review status: criteria provided, conflicting classifications (1 of 4 stars). 3 submissions from 3 submitters: Uncertain significance (1); Likely benign (2). Last evaluated 2024-12-12.

Allele frequency attached by ClinVar (database versions not stated): TOPMed 0.00001.
gnomAD v4.1: 3 of 859,760 alleles (0.00035%); highest among the groups gnomAD compares: East Asian, 0.005%; no homozygotes.

Submissions (3):

Women's Health and Genetics/Laboratory Corporation of America, LabCorp
Classification: Likely benign. Last evaluated: 2024-12-12. Review status: criteria provided, single submitter. Criteria: LabCorp Variant Classification Summary - May 2015. Collection method: clinical testing. Allele origin: germline.

Quest Diagnostics Nichols Institute San Juan Capistrano
Classification: Uncertain significance. Last evaluated: 2024-11-08. Review status: criteria provided, single submitter. Criteria: Quest Diagnostics criteria. Collection method: clinical testing. Allele origin: unknown.
Comment: The HBB c.316-128G>C variant has not been reported in individuals with HBB-related conditions in the published literature. It also has not been reported in large, multi-ethnic general populations (Genome Aggregation Database). Analysis of this variant using software algorithms for the prediction of the effect of nucleotide changes on splicing yielded predictions that this variant does not affect HBB mRNA splicing. Based on the available information, we are unable to determine the clinical significance of this variant.

Labcorp Genetics (formerly Invitae), Labcorp
Classification: Likely benign. Last evaluated: 2024-01-21. Review status: criteria provided, single submitter. Criteria: Invitae Variant Classification Sherloc (09022015). Collection method: clinical testing. Allele origin: germline.

NM_000518.5(HBB):c.316-128G>C

Genes: HBB (hemoglobin subunit beta; minus strand), LOC107133510 (origin of replication at HBB; plus strand), LOC110006319 (beta-globin gene 3' regulatory region; plus strand). Cytogenetic location: 11p15.4.
Variant type: single nucleotide variant.
Coding change: c.316-128G>C on transcript NM_000518.5 (MANE Select); 128 bases into the intron before coding-DNA position 316, G replaced by C.
Molecular consequence: intron variant.
Genome position (GRCh38, 1-based): chr11:5,225,854, C>G on the plus strand (G>C on the coding strand, the complement: HBB is on the minus strand). VCF-style: chr11-5225854-C-G. GRCh37 (hg19) VCF-style: chr11-5247084-C-G.
Identifiers: ClinVar variation 495989 (VCV000495989.8), dbSNP rs1291160651, ClinGen allele CA658683675.